The following is an entry in ClinVar:

ClinVar aggregate classification (germline): Uncertain significance (1 of 4 stars; one submission).

Conditions:
Cardiovascular phenotype. Identifiers: MedGen CN230736.

gnomAD v4.1: 3 of 1,614,100 alleles (0.00019%); highest among the groups gnomAD compares: African/African-American, 0.004%; no homozygotes.

Submission:

Ambry Genetics
Classification: Uncertain significance for Cardiovascular phenotype. Last evaluated: 2026-07-07. Review status: criteria provided, single submitter. Criteria: Ambry Variant Classification Scheme 2023. Collection method: clinical testing. Allele origin: germline.
Comment: The p.G501R variant (also known as c.1501G>C), located in coding exon 12 of the ENG gene, results from a G to C substitution at nucleotide position 1501. The glycine at codon 501 is replaced by arginine, an amino acid with dissimilar properties. This amino acid position is conserved. In addition, this alteration is predicted to be tolerated by in silico analysis. Based on the available evidence, the clinical significance of this variant remains unclear.

NM_001114753.3(ENG):c.1501G>C (p.Gly501Arg)

Genes: ENG (endoglin; minus strand), LOC102723566 (uncharacterized LOC102723566; plus strand). Cytogenetic location: 9q34.11.
Variant type: single nucleotide variant.
Coding change: c.1501G>C on transcript NM_001114753.3 (MANE Select); coding-DNA position 1501, G replaced by C.
Protein change: p.Gly501Arg; replaces glycine 501 with arginine.
Molecular consequence: missense variant.
Genome position (GRCh38, 1-based): chr9:127,818,305, C>G on the plus strand (G>C on the coding strand, the complement: ENG is on the minus strand). VCF-style: chr9-127818305-C-G. GRCh37 (hg19) VCF-style: chr9-130580584-C-G.
Other names: c.1501G>C, p.Gly501Arg (NM_000118.4); c.955G>C, p.Gly319Arg (NM_001278138.2); short protein forms G501R, G319R.
Identifiers: ClinVar variation 5035945 (VCV005035945.1).